The following is an entry in ClinVar:

NM_005045.4(RELN):c.7834A>C (p.Ile2612Leu)

Gene: RELN (reelin; minus strand). Cytogenetic location: 7q22.1.
Variant type: single nucleotide variant.
Coding change: c.7834A>C on transcript NM_005045.4 (MANE Select); coding-DNA position 7834, A replaced by C.
Protein change: p.Ile2612Leu; replaces isoleucine 2612 with leucine.
Molecular consequence: missense variant.
Genome position (GRCh38, 1-based): chr7:103,519,351, T>G on the plus strand (A>C on the coding strand, the complement: RELN is on the minus strand). VCF-style: chr7-103519351-T-G. GRCh37 (hg19) VCF-style: chr7-103159798-T-G.
Other names: c.7834A>C, p.Ile2612Leu (NM_173054.3); short protein forms I2612L.
Identifiers: ClinVar variation 2944185 (VCV002944185.3), dbSNP rs768772335, ClinGen allele CA368764713.

ClinVar aggregate classification (germline): Uncertain significance (1 of 4 stars; one submission).

Conditions:
Familial temporal lobe epilepsy 7. Identifiers: Orphanet 101046, MedGen C4225327, MONDO:0014639, OMIM 616436.
Norman-Roberts syndrome (LIS2). Also called: Lissencephaly 2 (Norman-Roberts type). Identifiers: Orphanet 89844, MedGen C0796089, MONDO:0009760, OMIM 257320.

Submission:

Labcorp Genetics (formerly Invitae), Labcorp
Classification: Uncertain significance for Familial temporal lobe epilepsy 7; Norman-Roberts syndrome. Last evaluated: 2023-02-11. Review status: criteria provided, single submitter. Criteria: Invitae Variant Classification Sherloc (09022015). Collection method: clinical testing. Allele origin: germline.
Comment: This sequence change replaces isoleucine, which is neutral and non-polar, with leucine, which is neutral and non-polar, at codon 2612 of the RELN protein (p.Ile2612Leu). This variant is not present in population databases (gnomAD no frequency). This variant has not been reported in the literature in individuals affected with RELN-related conditions. Advanced modeling of protein sequence and biophysical properties (such as structural, functional, and spatial information, amino acid conservation, physicochemical variation, residue mobility, and thermodynamic stability) performed at Invitae indicates that this missense variant is not expected to disrupt RELN protein function. In summary, the available evidence is currently insufficient to determine the role of this variant in disease. Therefore, it has been classified as a Variant of Uncertain Significance.